The following is an entry in ClinVar:

ClinVar aggregate classification (germline): Uncertain significance (1 of 4 stars; one submission).

Allele frequency attached by ClinVar (database versions not stated): gnomAD exomes below 0.00001.
gnomAD v4.1: 4 of 1,597,210 alleles (0.00025%); highest among the groups gnomAD compares: Non-Finnish European, 0.00034%; no homozygotes.

Submission:

Labcorp Genetics (formerly Invitae), Labcorp
Classification: Uncertain significance. Last evaluated: 2022-10-10. Review status: criteria provided, single submitter. Criteria: Invitae Variant Classification Sherloc (09022015). Collection method: clinical testing. Allele origin: germline.
Comment: In summary, the available evidence is currently insufficient to determine the role of this variant in disease. Therefore, it has been classified as a Variant of Uncertain Significance. Algorithms developed to predict the effect of missense changes on protein structure and function output the following: SIFT: "Tolerated"; PolyPhen-2: "Benign"; Align-GVGD: "Class C0". The threonine amino acid residue is found in multiple mammalian species, which suggests that this missense change does not adversely affect protein function. ClinVar contains an entry for this variant (Variation ID: 1475361). This variant has not been reported in the literature in individuals affected with KANK1-related conditions. This variant is not present in population databases (gnomAD no frequency). This sequence change replaces alanine, which is neutral and non-polar, with threonine, which is neutral and polar, at codon 792 of the KANK1 protein (p.Ala792Thr).

NM_015158.5(KANK1):c.2374G>A (p.Ala792Thr)

Gene: KANK1 (KN motif and ankyrin repeat domains 1; plus strand). Cytogenetic location: 9p24.3.
Variant type: single nucleotide variant.
Coding change: c.2374G>A on transcript NM_015158.5 (MANE Select); coding-DNA position 2374, G replaced by A.
Protein change: p.Ala792Thr; replaces alanine 792 with threonine.
Molecular consequence: missense variant. On other transcripts: non-coding transcript variant (1).
Genome position (GRCh38, 1-based): chr9:713,140, G>A. VCF-style: chr9-713140-G-A. GRCh37 (hg19) VCF-style: chr9-713140-G-A.
Other names: c.2374G>A, p.Ala792Thr (NM_001256876.3, NM_001256877.3, NM_001354331.2 and 2 more transcripts); c.1900G>A, p.Ala634Thr (NM_001354333.2, NM_001354335.2, NM_001354336.2 and 9 more transcripts); short protein forms A634T, A792T.
Identifiers: ClinVar variation 1475361 (VCV001475361.6), dbSNP rs2130977025, ClinGen allele CA372750135.